The following is an entry in ClinVar:

NM_018718.3(CEP41):c.749T>C (p.Leu250Pro)

Gene: CEP41 (centrosomal protein 41; minus strand). Cytogenetic location: 7q32.2.
Variant type: single nucleotide variant.
Coding change: c.749T>C on transcript NM_018718.3 (MANE Select); coding-DNA position 749, T replaced by C.
Protein change: p.Leu250Pro; replaces leucine 250 with proline.
Molecular consequence: missense variant. On other transcripts: non-coding transcript variant (1).
Genome position (GRCh38, 1-based): chr7:130,400,715, A>G on the plus strand (T>C on the coding strand, the complement: CEP41 is on the minus strand). VCF-style: chr7-130400715-A-G. GRCh37 (hg19) VCF-style: chr7-130040556-A-G.
Other names: c.749T>C, p.Leu250Pro (NM_001257158.2); c.701T>C, p.Leu234Pro (NM_001257159.2); short protein forms L234P, L250P.
Identifiers: ClinVar variation 3764269 (VCV003764269.1).
Genomic context (GRCh38, chr7:130,400,715, plus strand): 5'-ACTGAAGGATGATCAGCCTTTGAAGTCCCAAGCAGAGTATCACCTTGCTCACCTCCGGAA[A>G]GCATGAAGAGGTTTTCAAATCCACGCTCGCACATGGTGGTGGCCGCCTGACTGGCCAGCC-3'
Protein context (NP_061188.1, residues 240-260): CERGFENLFM[Leu250Pro]SGGLKVLAQK

ClinVar aggregate classification (germline): Uncertain significance (1 of 4 stars; one submission).

Submission:

GeneDx
Classification: Uncertain significance. Last evaluated: 2024-08-21. Review status: criteria provided, single submitter. Criteria: GeneDx Variant Classification Process June 2021. Collection method: clinical testing. Allele origin: germline. Affected: yes.
Comment: Not observed at significant frequency in large population cohorts (gnomAD); In silico analysis supports that this missense variant has a deleterious effect on protein structure/function; Has not been previously published as pathogenic or benign to our knowledge